The following is an entry in ClinVar:

NM_152393.4(KLHL40):c.1608-115T>C

Gene: KLHL40 (kelch like family member 40; plus strand). Cytogenetic location: 3p22.1.
Variant type: single nucleotide variant.
Coding change: c.1608-115T>C on transcript NM_152393.4 (MANE Select); 115 bases into the intron before coding-DNA position 1608, T replaced by C.
Molecular consequence: intron variant.
Genome position (GRCh38, 1-based): chr3:42,690,744, T>C. VCF-style: chr3-42690744-T-C. GRCh37 (hg19) VCF-style: chr3-42732236-T-C.
Identifiers: ClinVar variation 682888 (VCV000682888.1), dbSNP rs339698, ClinGen allele CA74196053.

ClinVar aggregate classification (germline): Benign (1 of 4 stars; one submission).

Allele frequency attached by ClinVar (database versions not stated): gnomAD 0.16178 and 0.16836; TOPMed 0.18108; 1000 Genomes Project 0.20467; 1000 Genomes Project 30x 0.20878.
gnomAD v4.1: 68,681 of 1,112,984 alleles (6.2%); highest among the groups gnomAD compares: African/African-American, 48%; 8,623 homozygotes.

Submission:

GeneDx
Classification: Benign. Last evaluated: 2018-06-18. Review status: criteria provided, single submitter. Criteria: GeneDx Variant Classification (06012015). Collection method: clinical testing. Allele origin: germline. Affected: yes.
Comment: This variant is considered likely benign or benign based on one or more of the following criteria: it is a conservative change, it occurs at a poorly conserved position in the protein, it is predicted to be benign by multiple in silico algorithms, and/or has population frequency not consistent with disease.